The following is an entry in ClinVar:

ClinVar aggregate classification (germline): Uncertain significance (1 of 4 stars; one submission).

Submission:

Labcorp Genetics (formerly Invitae), Labcorp
Classification: Uncertain significance. Last evaluated: 2018-11-07. Review status: criteria provided, single submitter. Criteria: Invitae Variant Classification Sherloc (09022015). Collection method: clinical testing. Allele origin: germline.
Comment: This sequence change replaces isoleucine with threonine at codon 106 of the POLE protein (p.Ile106Thr). The isoleucine residue is moderately conserved and there is a moderate physicochemical difference between isoleucine and threonine. This variant is not present in population databases (ExAC no frequency). In summary, the available evidence is currently insufficient to determine the role of this variant in disease. Therefore, it has been classified as a Variant of Uncertain Significance. Algorithms developed to predict the effect of missense changes on protein structure and function are either unavailable or do not agree on the potential impact of this missense change (SIFT: "Deleterious"; PolyPhen-2: "Possibly Damaging"; Align-GVGD: "Class C0"). This variant has not been reported in the literature in individuals with POLE-related disease.

NM_006231.4(POLE):c.317T>C (p.Ile106Thr)

Gene: POLE (DNA polymerase epsilon, catalytic subunit; minus strand). Cytogenetic location: 12q24.33.
Variant type: single nucleotide variant.
Coding change: c.317T>C on transcript NM_006231.4 (MANE Select); coding-DNA position 317, T replaced by C.
Protein change: p.Ile106Thr; replaces isoleucine 106 with threonine.
Molecular consequence: missense variant.
Genome position (GRCh38, 1-based): chr12:132,680,191, A>G on the plus strand (T>C on the coding strand, the complement: POLE is on the minus strand). VCF-style: chr12-132680191-A-G. GRCh37 (hg19) VCF-style: chr12-133256777-A-G.
Other names: short protein forms I106T.
Identifiers: ClinVar variation 646349 (VCV000646349.8), dbSNP rs1593086361, ClinGen allele CA387368634.